The following is an entry in ClinVar:

NM_021629.4(GNB4):c.916+3T>C

Gene: GNB4 (G protein subunit beta 4; minus strand). Cytogenetic location: 3q26.33.
Variant type: single nucleotide variant.
Coding change: c.916+3T>C on transcript NM_021629.4 (MANE Select); 3 bases into the intron after coding-DNA position 916, T replaced by C.
Molecular consequence: intron variant.
Genome position (GRCh38, 1-based): chr3:179,405,187, A>G on the plus strand (T>C on the coding strand, the complement: GNB4 is on the minus strand). VCF-style: chr3-179405187-A-G. GRCh37 (hg19) VCF-style: chr3-179122975-A-G.
Identifiers: ClinVar variation 1348136 (VCV001348136.6), dbSNP rs2108579668, ClinGen allele CA2573136791.

ClinVar aggregate classification (germline): Uncertain significance (1 of 4 stars; one submission).

Conditions:
Charcot-Marie-Tooth disease dominant intermediate F. Identifiers: Orphanet 352670, MedGen C4749463, MONDO:0014074, OMIM 615185.

Allele frequency attached by ClinVar (database versions not stated): gnomAD exomes below 0.00001.
gnomAD v4.1: 2 of 1,611,372 alleles (0.00012%); highest among the groups gnomAD compares: Non-Finnish European, 0.00017%; no homozygotes.

Submission:

Labcorp Genetics (formerly Invitae), Labcorp
Classification: Uncertain significance for Charcot-Marie-Tooth disease dominant intermediate F. Last evaluated: 2021-04-23. Review status: criteria provided, single submitter. Criteria: Invitae Variant Classification Sherloc (09022015). Collection method: clinical testing. Allele origin: germline.
Comment: This sequence change falls in intron 9 of the GNB4 gene. It does not directly change the encoded amino acid sequence of the GNB4 protein. It affects a nucleotide within the consensus splice site of the intron. This variant is not present in population databases (ExAC no frequency). This variant has not been reported in the literature in individuals with GNB4-related conditions. Nucleotide substitutions within the consensus splice site are a relatively common cause of aberrant splicing (PMID: 17576681, 9536098). Algorithms developed to predict the effect of sequence changes on RNA splicing suggest that this variant is not likely to affect RNA splicing, but this prediction has not been confirmed by published transcriptional studies. In summary, the available evidence is currently insufficient to determine the role of this variant in disease. Therefore, it has been classified as a Variant of Uncertain Significance.

Literature cited by the submitters: PubMed 17576681; PubMed 9536098.